The following is an entry in ClinVar:

ClinVar aggregate classification (germline): Uncertain significance (1 of 4 stars; one submission).

Conditions:
TTC21B-related disorder. Also called: TTC21B-related disorders; TTC21B-related condition.

gnomAD v4.1: 8 of 1,612,996 alleles (0.0005%); highest among the groups gnomAD compares: Non-Finnish European, 0.00068%; no homozygotes.

Submission:

PreventionGenetics, part of Exact Sciences
Classification: Uncertain significance for TTC21B-related condition. Last evaluated: 2024-12-03. Review status: criteria provided, single submitter. Criteria: ACMG Guidelines, 2015. Collection method: clinical testing. Allele origin: germline.
Comment: The TTC21B c.3446T>C variant is predicted to result in the amino acid substitution p.Ile1149Thr. To our knowledge, this variant has not been reported in the literature or in a large population database (gnomAD), indicating this variant is rare. At this time, the clinical significance of this variant is uncertain due to the absence of conclusive functional and genetic evidence.

NM_024753.5(TTC21B):c.3446T>C (p.Ile1149Thr)

Gene: TTC21B (tetratricopeptide repeat domain 21B; minus strand). Cytogenetic location: 2q24.3.
Variant type: single nucleotide variant.
Coding change: c.3446T>C on transcript NM_024753.5 (MANE Select); coding-DNA position 3446, T replaced by C.
Protein change: p.Ile1149Thr; replaces isoleucine 1149 with threonine.
Molecular consequence: missense variant.
Genome position (GRCh38, 1-based): chr2:165,888,292, A>G on the plus strand (T>C on the coding strand, the complement: TTC21B is on the minus strand). VCF-style: chr2-165888292-A-G. GRCh37 (hg19) VCF-style: chr2-166744802-A-G.
Other names: short protein forms I1149T.
Identifiers: ClinVar variation 4983254 (VCV004983254.1).